The following is an entry in ClinVar:

NM_000136.3(FANCC):c.1329+258G>A

Genes: AOPEP (aminopeptidase O (putative); plus strand), FANCC (FA complementation group C; minus strand). Cytogenetic location: 9q22.32.
Variant type: single nucleotide variant.
Coding change: c.1329+258G>A on transcript NM_000136.3 (MANE Select); 258 bases into the intron after coding-DNA position 1329, G replaced by A.
Molecular consequence: intron variant. On other transcripts: synonymous variant (1).
Genome position (GRCh38, 1-based): chr9:95,111,205, C>T on the plus strand (G>A on the coding strand, the complement: FANCC is on the minus strand). VCF-style: chr9-95111205-C-T. GRCh37 (hg19) VCF-style: chr9-97873487-C-T.
Other names: c.1470G>A, p.Lys490= (NM_001243744.2); c.1329+258G>A (NM_001243743.2).
Identifiers: ClinVar variation 2633364 (VCV002633364.1), dbSNP rs771580723, ClinGen allele CA2695201605.

ClinVar aggregate classification (germline): Uncertain significance (1 of 4 stars; one submission).

Conditions:
FANCC-related disorder. Also called: FANCC-related condition.

Submission:

PreventionGenetics, part of Exact Sciences
Classification: Uncertain significance for FANCC-related condition. Last evaluated: 2023-03-16. Review status: criteria provided, single submitter. Criteria: ACMG Guidelines, 2015. Collection method: clinical testing. Allele origin: germline.
Comment: The FANCC c.1470G>A variant is not predicted to result in an amino acid change (p.=). This variant is predicted to have a minimal impact on splicing based on available splicing prediction programs (Alamut Visual Plus v1.6.1), however, such computer prediction programs are imperfect. To our knowledge, this variant has not been reported in the literature or in a large population database, indicating this variant is rare. Although we suspect that this variant may be benign, at this time, the clinical significance of this variant is uncertain due to the absence of conclusive functional and genetic evidence.